The following is an entry in ClinVar:

ClinVar aggregate classification (germline): Uncertain significance. Review status: reviewed by expert panel (3 of 4 stars). 2 submissions from 2 submitters: Uncertain significance (1). 1 of the submissions does not count toward it. Last evaluated 2026-04-29.

Conditions:
Creatine transporter deficiency (CCDS1). Also called: Creatine Transporter (CRTR) Deficiency; Mental retardation , X-linked with seizures, short stature and midface hypoplasia; Mental retardation , X-linked, with creatine transport deficiency; X-linked creatine transporter deficiency; X-linked creatine deficiency syndrome; SLC6A8-Related Creatine Transporter Deficiency. Identifiers: Orphanet 52503, MedGen C1845862, MONDO:0010305, OMIM 300352.

Submissions (2):

ClinGen Cerebral Creatine Deficiency Syndromes Variant Curation Expert Panel, ClinGen
Classification: Uncertain significance for Creatine transporter deficiency. Last evaluated: 2026-04-29. Review status: reviewed by expert panel. Criteria: ClinGen_CCDS_ACMG_Specifications_SLC6A8_v1.1. Collection method: curation. Allele origin: germline. Inheritance: X-linked inheritance.
Comment: The NM_005629.4:c.644+3_644+6 del variant in SLC6A8, is in the region of the donor splice site of intron 3. The computational splicing predictors SpliceAI and varSEAK both predict that the variant disrupts the donor splice site of intron 3. SpliceAI gives a score of 0.97 for donor loss, and varSEAK gives a prediction of Class 5 (i.e. "splicing effect) with "Loss of function for authentic Splice Site" (PP3). This variant is absent in gnomAD v4.1.0 (PM2_Supporting). To our knowledge, there are no published reports describing this variant in individuals with features of creatine transporter deficiency, and the results of functional studies are unavailable. There is a ClinVar entry for this variant (Variation ID:421767). In summary, this variant meets the criteria to be classified as a variant of uncertain significance for X-linked creatine transporter deficiency. SLC6A8-specific ACMG/AMP codes met, as specified by the ClinGen Cerebral Creatine Deficiency Variant Curation Expert Panel (Specifications Version 1.2.0): PP3, PM2_Supporting. (Classification approved by the ClinGen CCDS VCEP on April 29, 2026).

GeneDx
Classification: Likely pathogenic. Last evaluated: 2016-07-17. Review status: criteria provided, single submitter. Criteria: GeneDx Variant Classification (06012015). Collection method: clinical testing. Allele origin: germline. Affected: yes. Not counted in ClinVar's aggregate classification.
Comment: The c.644+3_644+6delGAGT variant in the SLC6A8 gene has not been reported previously as a pathogenic variant nor as a benign variant, to our knowledge. This variant reduces the quality of the splice donor site of intron 3, and is expected to cause abnormal gene splicing, resulting in an out of frame protein product. The c.644+3_644+6delGAGT variant was not observed in approximately 6500 individuals of European and African American ancestry in the NHLBI Exome Sequencing Project, indicating it is not a common benign variant in these populations. The c.644+3_644+6delGAGT variant is a strong candidate for a pathogenic variant.

NM_005629.4(SLC6A8):c.644+3_644+6del

Gene: SLC6A8 (solute carrier family 6 member 8; plus strand). Cytogenetic location: Xq28.
Variant type: Microsatellite.
Coding change: c.644+3_644+6del on transcript NM_005629.4 (MANE Select); bases 3 to 6 of the intron after coding-DNA position 644, 4 bases deleted (GAGT; older notation c.644+3_644+6delGAGT).
Molecular consequence: splice donor variant.
Genome position (GRCh38, 1-based): chrX:153,691,556-153,691,559, GAGT deleted; deleting any 4 consecutive bases within chrX:153,691,552-153,691,559 gives the same sequence; the c. name uses the placement nearest the transcript's 3' end. VCF-style (leftmost placement, unchanged base first): chrX-153691551-GGAGT-G. GRCh37 (hg19) VCF-style: chrX-152957006-GGAGT-G.
Other names: c.644+3_644+6delGAGT (NM_005629.3); c.644+3_644+6del (NM_001142805.2); c.299+3_299+6del (NM_001142806.1).
Identifiers: ClinVar variation 421767 (VCV000421767.4), dbSNP rs1064795351, ClinGen allele CA16621222.
Genomic context (GRCh38, chrX:153,691,551, plus strand): 5'-CCTGGCCAACCTCACCTGTGACCAGCTTGCTGACCGCCGGTCCCCTGTCATCGAGTTCTG[GGAGT>G]GAGTCCGGCACCTCTGGGCCAAGCCCATCCCATCCCCCAGGTCTCCCTCATGTTGCCCGG-3'